The following is an entry in ClinVar:

ClinVar aggregate classification (germline): Benign. Review status: criteria provided, multiple submitters, no conflicts (2 of 4 stars). 3 submissions from 3 submitters: Benign (2). 1 of the submissions does not count toward it. Last evaluated 2017-08-08.

Conditions:
ATOH1-related disorder. Also called: ATOH1-related condition.

Allele frequency attached by ClinVar (database versions not stated): gnomAD exomes 0.00331; ExAC 0.00383; ESP Exome Variant Server 0.01111; 1000 Genomes Project 0.01258; TOPMed 0.01332; 1000 Genomes Project 30x 0.01452.
gnomAD v4.1: 3,755 of 1,578,128 alleles (0.24%); highest among the groups gnomAD compares: African/African-American, 4.3%; 59 homozygotes.

Submissions (3):

Labcorp Genetics (formerly Invitae), Labcorp
Classification: Benign. Last evaluated: 2017-08-08. Review status: criteria provided, single submitter. Criteria: Invitae Variant Classification Sherloc (09022015). Collection method: clinical testing. Allele origin: germline.

Breakthrough Genomics
Classification: Benign. Review status: criteria provided, single submitter. Criteria: ACMG Guidelines, 2015. Collection method: not provided. Allele origin: germline. Inheritance: Autosomal dominant inheritance. Affected: yes.

PreventionGenetics, part of Exact Sciences
Classification: Benign for ATOH1-related condition. Last evaluated: 2019-08-13. Review status: no assertion criteria provided. Collection method: clinical testing. Allele origin: germline. Not counted in ClinVar's aggregate classification.
Comment: This variant is classified as benign based on ACMG/AMP sequence variant interpretation guidelines (Richards et al. 2015 PMID: 25741868, with internal and published modifications).

NM_005172.2(ATOH1):c.808G>C (p.Gly270Arg)

Gene: ATOH1 (atonal bHLH transcription factor 1; plus strand). Cytogenetic location: 4q22.2.
Variant type: single nucleotide variant.
Coding change: c.808G>C on transcript NM_005172.2 (MANE Select); coding-DNA position 808, G replaced by C.
Protein change: p.Gly270Arg; replaces glycine 270 with arginine.
Molecular consequence: missense variant.
Genome position (GRCh38, 1-based): chr4:93,829,734, G>C. VCF-style: chr4-93829734-G-C. GRCh37 (hg19) VCF-style: chr4-94750885-G-C.
Other names: short protein forms G270R.
Identifiers: ClinVar variation 767965 (VCV000767965.6), dbSNP rs35227734, ClinGen allele CA3012828.